The following is an entry in ClinVar:

NM_001042492.3(NF1):c.6751_6755del (p.Val2251fs)

Gene: NF1 (neurofibromin 1; plus strand). Cytogenetic location: 17q11.2.
Variant type: Deletion.
Coding change: c.6751_6755del on transcript NM_001042492.3 (MANE Select); coding-DNA positions 6751 to 6755, 5 bases deleted (GTCTT; older notation c.6751_6755delGTCTT).
Protein change: p.Val2251fs; shifts the reading frame from valine 2251.
Molecular consequence: frameshift variant.
Genome position (GRCh38, 1-based): chr17:31,338,071-31,338,075, GTCTT deleted; deleting any 5 consecutive bases within chr17:31,338,069-31,338,075 gives the same sequence; the c. name uses the placement nearest the transcript's 3' end. VCF-style (leftmost placement, unchanged base first): chr17-31338068-GTTGTC-G. GRCh37 (hg19) VCF-style: chr17-29665086-GTTGTC-G.
Other names: c.6688_6692delGTCTT, p.Val2230Trpfs (NM_000267.4); short protein forms V2230fs, V2251fs.
Identifiers: ClinVar variation 2710927 (VCV002710927.3), dbSNP rs2508759221, ClinGen allele CA2697559607.
Genomic context (GRCh38, chr17:31,338,068, plus strand): 5'-GGATCTTTTAATTGCAGATTTGCATTCCAATATAATCCATCCCTGCAACCAAGAGCTCTT[GTTGTC>G]TTTGGGTGTATTAGCAAACGAGTGTCTCATGGGCAGATAAAGCAGATAATCCGTATTCTT-3'

ClinVar aggregate classification (germline): Pathogenic (1 of 4 stars; one submission).

Conditions:
Neurofibromatosis, type 1 (NF1). Also called: Peripheral type neurofibromatosis; VON RECKLINGHAUSEN DISEASE; NEUROFIBROMATOSIS, TYPE I, SOMATIC; Neurofibromatosis, type I. Identifiers: Orphanet 636, MedGen C0027831, MONDO:0018975, OMIM 162200. Disease mechanism: loss of function.

Submission:

Labcorp Genetics (formerly Invitae), Labcorp
Classification: Pathogenic for Neurofibromatosis, type 1. Last evaluated: 2024-01-24. Review status: criteria provided, single submitter. Criteria: Invitae Variant Classification Sherloc (09022015). Collection method: clinical testing. Allele origin: germline.
Comment: This sequence change creates a premature translational stop signal (p.Val2230Trpfs*4) in the NF1 gene. It is expected to result in an absent or disrupted protein product. Loss-of-function variants in NF1 are known to be pathogenic (PMID: 10712197, 23913538). This variant is not present in population databases (gnomAD no frequency). This variant has not been reported in the literature in individuals affected with NF1-related conditions. For these reasons, this variant has been classified as Pathogenic.

Literature cited by the submitters: PubMed 10712197; PubMed 23913538.